The following is an entry in ClinVar:

ClinVar aggregate classification (germline): Uncertain significance. Review status: criteria provided, multiple submitters, no conflicts (2 of 4 stars). 2 submissions from 2 submitters: Uncertain significance (2). Last evaluated 2022-06-29.

Conditions:
Arterial tortuosity syndrome (ATORS). Identifiers: Orphanet 3342, MedGen C1859726, MONDO:0008818, OMIM 208050.

Allele frequency attached by ClinVar (database versions not stated): TOPMed 0.00001.
gnomAD v4.1: 16 of 1,613,246 alleles (0.00099%); highest among the groups gnomAD compares: Non-Finnish European, 0.0014%; no homozygotes.

Submissions (2):

Labcorp Genetics (formerly Invitae), Labcorp
Classification: Uncertain significance for Arterial tortuosity syndrome. Last evaluated: 2022-06-29. Review status: criteria provided, single submitter. Criteria: Invitae Variant Classification Sherloc (09022015). Collection method: clinical testing. Allele origin: germline.
Comment: This sequence change replaces arginine, which is basic and polar, with glycine, which is neutral and non-polar, at codon 409 of the SLC2A10 protein (p.Arg409Gly). This variant is present in population databases (no rsID available, gnomAD 0.004%). This variant has not been reported in the literature in individuals affected with SLC2A10-related conditions. ClinVar contains an entry for this variant (Variation ID: 896297). Advanced modeling of protein sequence and biophysical properties (such as structural, functional, and spatial information, amino acid conservation, physicochemical variation, residue mobility, and thermodynamic stability) performed at Invitae indicates that this missense variant is not expected to disrupt SLC2A10 protein function. In summary, the available evidence is currently insufficient to determine the role of this variant in disease. Therefore, it has been classified as a Variant of Uncertain Significance.

Illumina Laboratory Services, Illumina
Classification: Uncertain significance for Arterial tortuosity syndrome. Last evaluated: 2018-01-13. Review status: criteria provided, single submitter. Criteria: ICSL Variant Classification Criteria 13 December 2019. Collection method: clinical testing. Allele origin: germline.

NM_030777.4(SLC2A10):c.1225C>G (p.Arg409Gly)

Gene: SLC2A10 (solute carrier family 2 member 10; plus strand). Cytogenetic location: 20q13.12.
Variant type: single nucleotide variant.
Coding change: c.1225C>G on transcript NM_030777.4 (MANE Select); coding-DNA position 1225, C replaced by G.
Protein change: p.Arg409Gly; replaces arginine 409 with glycine.
Molecular consequence: missense variant.
Genome position (GRCh38, 1-based): chr20:46,726,261, C>G. VCF-style: chr20-46726261-C-G. GRCh37 (hg19) VCF-style: chr20-45354900-C-G.
Other names: short protein forms R409G.
Identifiers: ClinVar variation 896297 (VCV000896297.7), dbSNP rs562212724, ClinGen allele CA315756669.